The following is an entry in ClinVar:

ClinVar aggregate classification (germline): Uncertain significance (1 of 4 stars; one submission).

Conditions:
Hermansky-Pudlak syndrome 2 (HPS2). Also called: Platelet defects and oculocutaneous albinism. Identifiers: Orphanet 183678, Orphanet 79430, MedGen C1842362, MONDO:0011997, OMIM 608233.

Submission:

Labcorp Genetics (formerly Invitae), Labcorp
Classification: Uncertain significance for Hermansky-Pudlak syndrome 2. Last evaluated: 2021-12-08. Review status: criteria provided, single submitter. Criteria: Invitae Variant Classification Sherloc (09022015). Collection method: clinical testing. Allele origin: germline.
Comment: This sequence change replaces lysine, which is basic and polar, with glutamic acid, which is acidic and polar, at codon 586 of the AP3B1 protein (p.Lys586Glu). This variant is not present in population databases (gnomAD no frequency). This variant has not been reported in the literature in individuals affected with AP3B1-related conditions. Algorithms developed to predict the effect of missense changes on protein structure and function (SIFT, PolyPhen-2, Align-GVGD) all suggest that this variant is likely to be tolerated. Algorithms developed to predict the effect of sequence changes on RNA splicing suggest that this variant may create or strengthen a splice site. In summary, the available evidence is currently insufficient to determine the role of this variant in disease. Therefore, it has been classified as a Variant of Uncertain Significance.

NM_003664.5(AP3B1):c.1756A>G (p.Lys586Glu)

Gene: AP3B1 (adaptor related protein complex 3 subunit beta 1; minus strand). Cytogenetic location: 5q14.1.
Variant type: single nucleotide variant.
Coding change: c.1756A>G on transcript NM_003664.5 (MANE Select); coding-DNA position 1756, A replaced by G.
Protein change: p.Lys586Glu; replaces lysine 586 with glutamic acid.
Molecular consequence: missense variant.
Genome position (GRCh38, 1-based): chr5:78,129,202, T>C on the plus strand (A>G on the coding strand, the complement: AP3B1 is on the minus strand). VCF-style: chr5-78129202-T-C. GRCh37 (hg19) VCF-style: chr5-77425026-T-C.
Other names: c.1609A>G, p.Lys537Glu (NM_001271769.2); c.1756A>G, p.Lys586Glu (NM_001410752.1); short protein forms K537E, K586E.
Identifiers: ClinVar variation 2037271 (VCV002037271.4), dbSNP rs2531000669, ClinGen allele CA360187792.